The following is an entry in ClinVar:

NM_017780.4(CHD7):c.5218C>T (p.Leu1740=)

Gene: CHD7 (chromodomain helicase DNA binding protein 7; plus strand). Cytogenetic location: 8q12.2.
Variant type: single nucleotide variant.
Coding change: c.5218C>T on transcript NM_017780.4 (MANE Select); coding-DNA position 5218, C replaced by T.
Protein change: p.Leu1740=; no amino-acid change (leucine 1740 retained).
Molecular consequence: synonymous variant. On other transcripts: intron variant (1).
Genome position (GRCh38, 1-based): chr8:60,848,522, C>T. VCF-style: chr8-60848522-C-T. GRCh37 (hg19) VCF-style: chr8-61761081-C-T.
Other names: c.5218C>T (LRG_176t1); c.1717-13707C>T (NM_001316690.1).
Identifiers: ClinVar variation 508126 (VCV000508126.1), dbSNP rs1554603141, ClinGen allele CA460848370.
Genomic context (GRCh38, chr8:60,848,522, plus strand): 5'-GGCAAACAGTCCTGAAGTTAAGAACTTTTTCCCCCCTCTGTCTTCCTCTCCAGGGTCCTG[C>T]TGCGTGTCCGCATGCTGTACTACCTAAGACAAGAAGTGATAGGAGACCAGGCGGATAAGA-3'
Protein context (NP_060250.2, residues 1730-1750): HLKHHCNKVL[Leu1740=]RVRMLYYLRQ

ClinVar aggregate classification (germline): Likely benign (1 of 4 stars; one submission).

Submission:

GeneDx
Classification: Likely benign. Last evaluated: 2017-03-30. Review status: criteria provided, single submitter. Criteria: GeneDx Variant Classification (06012015). Collection method: clinical testing. Allele origin: germline. Affected: yes.
Comment: This variant is considered likely benign or benign based on one or more of the following criteria: it is a conservative change, it occurs at a poorly conserved position in the protein, it is predicted to be benign by multiple in silico algorithms, and/or has population frequency not consistent with disease.